The following is an entry in ClinVar:

ClinVar aggregate classification (germline): Pathogenic (1 of 4 stars; one submission).

Conditions:
Progressive sclerosing poliodystrophy (MTDPS4A). Also called: ALPERS PROGRESSIVE INFANTILE POLIODYSTROPHY; NEURONAL DEGENERATION OF CHILDHOOD WITH LIVER DISEASE, PROGRESSIVE; Alpers Syndrome; ALPERS DIFFUSE DEGENERATION OF CEREBRAL GRAY MATTER WITH HEPATIC CIRRHOSIS; Alpers-Huttenlocher Syndrome; Alpers-Huttenlocher Syndrome (AHS). Identifiers: Orphanet 726, MedGen C0205710, MONDO:0008758, OMIM 203700.

Submission:

Labcorp Genetics (formerly Invitae), Labcorp
Classification: Pathogenic for Progressive sclerosing poliodystrophy. Last evaluated: 2025-07-30. Review status: criteria provided, single submitter. Criteria: Invitae Variant Classification Sherloc (09022015). Collection method: clinical testing. Allele origin: germline.
Comment: This sequence change creates a premature translational stop signal (p.Glu105*) in the POLG gene. It is expected to result in an absent or disrupted protein product. Loss-of-function variants in POLG are known to be pathogenic (PMID: 18546365). This variant is not present in population databases (gnomAD no frequency). This variant has not been reported in the literature in individuals affected with POLG-related conditions. ClinVar contains an entry for this variant (Variation ID: 3729536). For these reasons, this variant has been classified as Pathogenic.

Literature cited by the submitters: PubMed 18546365.

NM_002693.3(POLG):c.313G>T (p.Glu105Ter)

Genes: POLG (DNA polymerase gamma, catalytic subunit; minus strand), POLGARF (POLG alternative reading frame; minus strand). Cytogenetic location: 15q26.1.
Variant type: single nucleotide variant.
Coding change: c.313G>T on transcript NM_002693.3 (MANE Select); coding-DNA position 313, G replaced by T.
Protein change: p.Glu105Ter; replaces glutamic acid 105 with a stop codon.
Molecular consequence: nonsense. On other transcripts: missense variant (1).
Genome position (GRCh38, 1-based): chr15:89,333,442, C>A on the plus strand (G>T on the coding strand, the complement: POLG is on the minus strand). VCF-style: chr15-89333442-C-A. GRCh37 (hg19) VCF-style: chr15-89876673-C-A.
Other names: c.368G>T, p.Arg123Leu (NM_001430120.1); c.313G>T, p.Glu105Ter (NM_001126131.2); short protein forms E105*, R123L.
Identifiers: ClinVar variation 3729536 (VCV003729536.2).